The following is an entry in ClinVar:

ClinVar aggregate classification (germline): Uncertain significance (1 of 4 stars; one submission).

Conditions:
Ehlers-Danlos syndrome, type 4 (EDSVASC). Also called: Ehlers-Danlos Syndrome Type IV; Ehlers-Danlos syndrome vascular type; Ehlers Danlos syndrome, ecchymotic type; Ehlers Danlos syndrome, arterial type; Ehlers Danlos syndrome, Sack-Barabas type. Identifiers: Orphanet 286, MedGen C0268338, MONDO:0017314, OMIM 130050.

Submission:

All of Us Research Program, National Institutes of Health
Classification: Uncertain significance for Ehlers-Danlos syndrome, type 4. Last evaluated: 2023-02-24. Review status: criteria provided, single submitter. Criteria: ACMG Guidelines, 2015. Collection method: clinical testing. Allele origin: germline. Inheritance: Autosomal dominant inheritance. Observed: 1 variant allele, 1 heterozygote.
Comment: This missense variant replaces proline with arginine at codon 995 of the COL3A1 protein. Computational prediction is inconclusive regarding the impact of this variant on protein structure and function (internally defined REVEL score threshold 0.5 < inconclusive < 0.7, PMID: 27666373). To our knowledge, functional studies have not been reported for this variant. This variant has not been reported in individuals affected with COL3A1-related disorders in the literature. This variant has not been identified in the general population by the Genome Aggregation Database (gnomAD). The available evidence is insufficient to determine the role of this variant in disease conclusively. Therefore, this variant is classified as a Variant of Uncertain Significance.

This study involves interpretation of variants in research participants for the purpose of population health screening. Participant phenotype was not available at the time of variant classification. Additional details can be found in publication PMID: 35346344, PMCID: PMC8962531

NM_000090.4(COL3A1):c.2984C>G (p.Pro995Arg)

Gene: COL3A1 (collagen type III alpha 1 chain; plus strand). Cytogenetic location: 2q32.2.
Variant type: single nucleotide variant.
Coding change: c.2984C>G on transcript NM_000090.4 (MANE Select); coding-DNA position 2984, C replaced by G.
Protein change: p.Pro995Arg; replaces proline 995 with arginine.
Molecular consequence: missense variant.
Genome position (GRCh38, 1-based): chr2:189,005,402, C>G. VCF-style: chr2-189005402-C-G. GRCh37 (hg19) VCF-style: chr2-189870128-C-G.
Other names: short protein forms P995R.
Identifiers: ClinVar variation 3069658 (VCV003069658.1), dbSNP rs936377835, ClinGen allele CA349844777.